The following is an entry in ClinVar:

ClinVar aggregate classification (germline): Uncertain significance (1 of 4 stars; one submission).

Conditions:
Hereditary cancer-predisposing syndrome. Also called: Neoplastic Syndromes, Hereditary; Tumor predisposition; Hereditary Cancer Syndrome; Hereditary neoplastic syndrome. Identifiers: Orphanet 140162, MedGen C0027672, MeSH D009386, MONDO:0015356.

Allele frequency attached by ClinVar (database versions not stated): TOPMed 0.00002.

Submission:

Ambry Genetics
Classification: Uncertain significance for Hereditary cancer-predisposing syndrome. Last evaluated: 2025-11-15. Review status: criteria provided, single submitter. Criteria: Ambry Variant Classification Scheme 2023. Collection method: clinical testing. Allele origin: germline.
Comment: The p.R224K variant (also known as c.671G>A), located in coding exon 3 of the XRCC2 gene, results from a G to A substitution at nucleotide position 671. The arginine at codon 224 is replaced by lysine, an amino acid with highly similar properties. This amino acid position is conserved. In addition, this alteration is predicted to be tolerated by in silico analysis. Based on the available evidence, the clinical significance of this variant remains unclear.

NM_005431.2(XRCC2):c.671G>A (p.Arg224Lys)

Gene: XRCC2 (X-ray repair cross complementing 2; minus strand). Cytogenetic location: 7q36.1.
Variant type: single nucleotide variant.
Coding change: c.671G>A on transcript NM_005431.2 (MANE Select); coding-DNA position 671, G replaced by A.
Protein change: p.Arg224Lys; replaces arginine 224 with lysine.
Molecular consequence: missense variant.
Genome position (GRCh38, 1-based): chr7:152,648,814, C>T on the plus strand (G>A on the coding strand, the complement: XRCC2 is on the minus strand). VCF-style: chr7-152648814-C-T. GRCh37 (hg19) VCF-style: chr7-152345899-C-T.
Other names: short protein forms R224K.
Identifiers: ClinVar variation 2272094 (VCV002272094.3), dbSNP rs1333376611, ClinGen allele CA370198204.